The following is an entry in ClinVar:

ClinVar aggregate classification (germline): Uncertain significance (1 of 4 stars; one submission).

Conditions:
Cardiovascular phenotype. Identifiers: MedGen CN230736.

Allele frequency attached by ClinVar (database versions not stated): gnomAD exomes below 0.00001.
gnomAD v4.1: 1 of 1,545,832 alleles (0.000065%); highest among the groups gnomAD compares: Non-Finnish European, 0.000088%; no homozygotes.

Submission:

Ambry Genetics
Classification: Uncertain significance for Cardiovascular phenotype. Last evaluated: 2023-12-14. Review status: criteria provided, single submitter. Criteria: Ambry Variant Classification Scheme 2023. Collection method: clinical testing. Allele origin: germline.
Comment: The c.505+4A>G intronic variant results from an A to G substitution 4 nucleotides after coding exon 4 in the MYBPC3 gene. This nucleotide position is highly conserved in available vertebrate species. In silico splice site analysis predicts that this alteration will result in the creation or strengthening of a novel splice donor site. Since supporting evidence is limited at this time, the clinical significance of this alteration remains unclear.

NM_000256.3(MYBPC3):c.505+4A>G

Gene: MYBPC3 (myosin binding protein C3; minus strand). Cytogenetic location: 11p11.2.
Variant type: single nucleotide variant.
Coding change: c.505+4A>G on transcript NM_000256.3 (MANE Select); 4 bases into the intron after coding-DNA position 505, A replaced by G.
Molecular consequence: intron variant.
Genome position (GRCh38, 1-based): chr11:47,350,010, T>C on the plus strand (A>G on the coding strand, the complement: MYBPC3 is on the minus strand). VCF-style: chr11-47350010-T-C. GRCh37 (hg19) VCF-style: chr11-47371561-T-C.
Identifiers: ClinVar variation 3230889 (VCV003230889.1), dbSNP rs2495781535, ClinGen allele CA2613397551.
Genomic context (GRCh38, chr11:47,350,010, plus strand): 5'-CTTGGGGAGTGTCCTGCTGCCCCCCCTTCCCACCCCAATGCTGGGCACAGCAGCTCACAC[T>C]CACCCACGGTCACCTCGCCATCCTGTGGCCGCATCACGAAGAGGCCAATGGGGTCATCGG-3'